The following is an entry in ClinVar:

NM_198578.4(LRRK2):c.542G>C (p.Cys181Ser)

Gene: LRRK2 (leucine rich repeat kinase 2; plus strand). Cytogenetic location: 12q12.
Variant type: single nucleotide variant.
Coding change: c.542G>C on transcript NM_198578.4 (MANE Select); coding-DNA position 542, G replaced by C.
Protein change: p.Cys181Ser; replaces cysteine 181 with serine.
Molecular consequence: missense variant.
Genome position (GRCh38, 1-based): chr12:40,238,074, G>C. VCF-style: chr12-40238074-G-C. GRCh37 (hg19) VCF-style: chr12-40631876-G-C.
Other names: short protein forms C181S.
Identifiers: ClinVar variation 3291889 (VCV003291889.1).

ClinVar aggregate classification (germline): Uncertain significance (1 of 4 stars; one submission).

Conditions:
Inborn genetic diseases. Identifiers: MedGen C0950123, MeSH D030342.

Submission:

Ambry Genetics
Classification: Uncertain significance for Inborn genetic diseases. Last evaluated: 2024-03-23. Review status: criteria provided, single submitter. Criteria: Ambry Variant Classification Scheme 2023. Collection method: clinical testing. Allele origin: germline.
Comment: The p.C181S variant (also known as c.542G>C), located in coding exon 5 of the LRRK2 gene, results from a G to C substitution at nucleotide position 542. The cysteine at codon 181 is replaced by serine, an amino acid with dissimilar properties. This amino acid position is conserved. In addition, the in silico prediction for this alteration is inconclusive. Based on the available evidence, the clinical significance of this alteration remains unclear.